The following is an entry in ClinVar:

ClinVar aggregate classification (germline): Uncertain significance. Review status: criteria provided, multiple submitters, no conflicts (2 of 4 stars). 2 submissions from 2 submitters: Uncertain significance (2). Last evaluated 2022-09-13.

Conditions:
Pyruvate kinase deficiency of red cells (CNSHA2). Also called: PK DEFICIENCY; PYRUVATE KINASE DEFICIENCY OF ERYTHROCYTE; Pyruvate kinase deficiency, Amish type. Identifiers: Orphanet 766, MedGen C0340968, MONDO:0009950, OMIM 266200.

Allele frequency attached by ClinVar (database versions not stated): gnomAD 0.00003; TOPMed 0.00006; ESP Exome Variant Server 0.00015.
gnomAD v4.1: 109 of 1,614,052 alleles (0.0068%); highest among the groups gnomAD compares: Middle Eastern, 0.12%; no homozygotes.

Submissions (2):

Mayo Clinic Laboratories, Mayo Clinic
Classification: Uncertain significance. Last evaluated: 2022-09-13. Review status: criteria provided, single submitter. Criteria: ACMG Guidelines, 2015. Collection method: clinical testing. Allele origin: germline. Observed: 1 variant allele.
Comment: BP4_strong, PM2

Illumina Laboratory Services, Illumina
Classification: Uncertain significance for Pyruvate kinase deficiency of red cells. Last evaluated: 2018-01-13. Review status: criteria provided, single submitter. Criteria: ICSL Variant Classification Criteria 13 December 2019. Collection method: clinical testing. Allele origin: germline.

NM_000298.6(PKLR):c.918C>A (p.His306Gln)

Gene: PKLR (pyruvate kinase L/R; minus strand). Cytogenetic location: 1q22.
Variant type: single nucleotide variant.
Coding change: c.918C>A on transcript NM_000298.6 (MANE Select); coding-DNA position 918, C replaced by A.
Protein change: p.His306Gln; replaces histidine 306 with glutamine.
Molecular consequence: missense variant.
Genome position (GRCh38, 1-based): chr1:155,294,529, G>T on the plus strand (C>A on the coding strand, the complement: PKLR is on the minus strand). VCF-style: chr1-155294529-G-T. GRCh37 (hg19) VCF-style: chr1-155264320-G-T.
Other names: p.His306Gln; c.918C>A, p.His306Gln (LRG_1136t1); c.825C>A, p.His275Gln (NM_181871.4); short protein forms H306Q, H275Q.
Identifiers: ClinVar variation 292810 (VCV000292810.6), dbSNP rs141571402, ClinGen allele CA1144178.
Genomic context (GRCh38, chr1:155,294,529, plus strand): 5'-GCCCAAGCCTCACCTCTTCACGCCTTCGTGGTTCTCAATTTTGCTGATGATCTTGATGCC[G>T]TGTCCTTCCGGACCCAGAGCAGCCCTGACGGCAGCCACGTCGCTGGCTTTCCGCACAAAG-3'
Protein context (NP_000289.1, residues 296-316): AVRAALGPEG[His306Gln]GIKIISKIEN